The following is an entry in ClinVar:

ClinVar aggregate classification (germline): Pathogenic (1 of 4 stars; one submission).

Conditions:
Periodontitis, aggressive. Identifiers: MedGen C0031106, MONDO:0980757.
Papillon-Lefèvre syndrome (PALS). Also called: KERATOSIS PALMOPLANTARIS WITH PERIODONTOPATHIA; Papillon-Lefevre Disease. Identifiers: Orphanet 678, MedGen C0030360, MONDO:0009490, OMIM 245000.
Haim-Munk syndrome (HMS). Also called: COCHIN JEWISH DISORDER; KERATOSIS PALMOPLANTARIS WITH PERIODONTOPATHIA AND ONYCHOGRYPOSIS. Identifiers: Orphanet 2342, MedGen C1855627, MONDO:0009491, OMIM 245010.

Allele frequency attached by ClinVar (database versions not stated): TOPMed below 0.00001.

Submission:

Labcorp Genetics (formerly Invitae), Labcorp
Classification: Pathogenic for Haim-Munk syndrome; Periodontitis, aggressive; Papillon-Lefèvre syndrome. Last evaluated: 2025-08-21. Review status: criteria provided, single submitter. Criteria: Invitae Variant Classification Sherloc (09022015). Collection method: clinical testing. Allele origin: germline.
Comment: This sequence change replaces alanine, which is neutral and non-polar, with threonine, which is neutral and polar, at codon 253 of the CTSC protein (p.Ala253Thr). RNA analysis indicates that this missense change induces altered splicing and may result in an absent or altered protein product. This variant is not present in population databases (gnomAD no frequency). This missense change has been observed in individuals with Papillon-Lefevre syndrome (PMID: 17943190, 29925593, 36058494). This variant is also known as p.A253I and p.A253SfsX30. ClinVar contains an entry for this variant (Variation ID: 2137218). An algorithm developed to predict the effect of missense changes on protein structure and function (PolyPhen-2) suggests that this variant is likely to be tolerated. Variants that disrupt the consensus splice site are a relatively common cause of aberrant splicing (PMID: 17576681, 9536098). Studies have shown that this missense change results in skipping of exon 5, and produces a non-functional protein and/or introduces a premature termination codon (PMID: 38104461). For these reasons, this variant has been classified as Pathogenic.

Literature cited by the submitters: PubMed 17943190; PubMed 29925593; PubMed 36058494; PubMed 17576681; PubMed 9536098; PubMed 38104461.

NM_001814.6(CTSC):c.757G>A (p.Ala253Thr)

Gene: CTSC (cathepsin C; minus strand). Cytogenetic location: 11q14.2.
Variant type: single nucleotide variant.
Coding change: c.757G>A on transcript NM_001814.6 (MANE Select); coding-DNA position 757, G replaced by A.
Protein change: p.Ala253Thr; replaces alanine 253 with threonine.
Molecular consequence: missense variant.
Genome position (GRCh38, 1-based): chr11:88,300,530, C>T on the plus strand (G>A on the coding strand, the complement: CTSC is on the minus strand). VCF-style: chr11-88300530-C-T. GRCh37 (hg19) VCF-style: chr11-88033698-C-T.
Other names: short protein forms A253T.
Identifiers: ClinVar variation 2137218 (VCV002137218.4), dbSNP rs968172696, ClinGen allele CA225420857.